The following is an entry in ClinVar:

ClinVar aggregate classification (germline): Likely pathogenic. Review status: criteria provided, multiple submitters, no conflicts (2 of 4 stars). 3 submissions from 3 submitters: Likely pathogenic (3). Last evaluated 2025-12-28.

Conditions:
Isolated growth hormone deficiency, type 4. Also called: ISOLATED GROWTH HORMONE DEFICIENCY, TYPE IV; DWARFISM OF SINDH. Identifiers: Orphanet 684247, MedGen C4722273, MONDO:0032567, OMIM 618157.

Allele frequency attached by ClinVar (database versions not stated): gnomAD 0.00002 and 0.00003; ExAC 0.00004; gnomAD exomes 0.00004; TOPMed 0.00005.
gnomAD v4.1: 51 of 1,613,796 alleles (0.0032%); highest among the groups gnomAD compares: South Asian, 0.0055%; no homozygotes.

Submissions (3):

Labcorp Genetics (formerly Invitae), Labcorp
Classification: Likely pathogenic. Last evaluated: 2025-12-28. Review status: criteria provided, single submitter. Criteria: Invitae Variant Classification Sherloc (09022015). Collection method: clinical testing. Allele origin: germline.
Comment: This sequence change replaces alanine, which is neutral and non-polar, with valine, which is neutral and non-polar, at codon 176 of the GHRHR protein (p.Ala176Val). This variant is present in population databases (rs774281185, gnomAD 0.01%). This missense change has been observed in individuals with growth hormone deficiency (PMID: 12534354, 31231873). It has also been observed to segregate with disease in related individuals. ClinVar contains an entry for this variant (Variation ID: 1693449). Invitae Evidence Modeling of protein sequence and biophysical properties (such as structural, functional, and spatial information, amino acid conservation, physicochemical variation, residue mobility, and thermodynamic stability) indicates that this missense variant is not expected to disrupt GHRHR protein function with a negative predictive value of 80%. Experimental studies have shown that this missense change affects GHRHR function (PMID: 12534354, 16135671, 33060564). In summary, the currently available evidence indicates that the variant is pathogenic, but additional data are needed to prove that conclusively. Therefore, this variant has been classified as Likely Pathogenic.

Women's Health and Genetics/Laboratory Corporation of America, LabCorp
Classification: Likely pathogenic for Isolated growth hormone deficiency, type 4. Last evaluated: 2023-06-06. Review status: criteria provided, single submitter. Criteria: LabCorp Variant Classification Summary - May 2015. Collection method: clinical testing. Allele origin: germline.
Comment: Variant summary: GHRHR c.527C>T (p.Ala176Val) results in a non-conservative amino acid change located in the GPCR, family 2-like, transmembrane domain (IPR017981) of the encoded protein sequence. Four of five in-silico tools predict a damaging effect of the variant on protein function. The variant allele was found at a frequency of 4e-05 in 251454 control chromosomes (gnomAD). c.527C>T has been reported in the literature in multiple individuals affected with Isolated growth hormone deficiency (examples: Carakushansky_2003, Marui_2012, Birla_2016, Cohen_2019). These data indicate that the variant is very likely to be associated with disease. Multiple publications have reported experimental evidence that the variant protein reduced the ability to respond to GHRH, and impaired intracellular signals for stimulating GH secretion (examples: Carakushansky_2003 and Alba_2005). The following publications have been ascertained in the context of this evaluation (PMID: 16135671, 27114065, 12534354, 31231873, 23052699). Two clinical diagnostic laboratories have submitted clinical-significance assessments for this variant to ClinVar after 2014 and classified the variant as likely pathogenic. Based on the evidence outlined above, the variant was classified as likely pathogenic.

GeneDx
Classification: Likely pathogenic. Last evaluated: 2022-11-01. Review status: criteria provided, single submitter. Criteria: GeneDx Variant Classification Process June 2021. Collection method: clinical testing. Allele origin: germline. Affected: yes.
Comment: Published functional studies demonstrate a damaging effect where p.(A176V) receptor shows reduced ability to respond to GHRH, thus impairing intracellular signals for stimulating GH secretion (Carakushansky et al., 2003; Alba M et al., 2005); In silico analysis supports that this missense variant has a deleterious effect on protein structure/function; In silico analysis, which includes splice predictors and evolutionary conservation, suggests this variant may impact gene splicing. In the absence of RNA/functional studies, the actual effect of this sequence change is unknown.; This variant is associated with the following publications: (PMID: 19622623, 31231873, 16135671, 12534354, 27114065, 23052699)

Literature cited by the submitters: PubMed 12534354 (cited by Labcorp Genetics (formerly Invitae), Labcorp and Women's Health and Genetics/Laboratory Corporation of America, LabCorp); PubMed 31231873 (cited by Labcorp Genetics (formerly Invitae), Labcorp and Women's Health and Genetics/Laboratory Corporation of America, LabCorp); PubMed 16135671 (cited by Labcorp Genetics (formerly Invitae), Labcorp and Women's Health and Genetics/Laboratory Corporation of America, LabCorp); PubMed 33060564 (cited by Labcorp Genetics (formerly Invitae), Labcorp); PubMed 27114065 (cited by Women's Health and Genetics/Laboratory Corporation of America, LabCorp); PubMed 23052699 (cited by Women's Health and Genetics/Laboratory Corporation of America, LabCorp).

NM_000823.4(GHRHR):c.527C>T (p.Ala176Val)

Gene: GHRHR (growth hormone releasing hormone receptor; plus strand). Cytogenetic location: 7p14.3.
Variant type: single nucleotide variant.
Coding change: c.527C>T on transcript NM_000823.4 (MANE Select); coding-DNA position 527, C replaced by T.
Protein change: p.Ala176Val; replaces alanine 176 with valine.
Molecular consequence: missense variant.
Genome position (GRCh38, 1-based): chr7:30,972,025, C>T. VCF-style: chr7-30972025-C-T. GRCh37 (hg19) VCF-style: chr7-31011640-C-T.
Other names: short protein forms A176V.
Identifiers: ClinVar variation 1693449 (VCV001693449.9), dbSNP rs774281185, ClinGen allele CA4208557.